The following is an entry in ClinVar:

ClinVar aggregate classification (germline): Uncertain significance (1 of 4 stars; one submission).

Submission:

Labcorp Genetics (formerly Invitae), Labcorp
Classification: Uncertain significance. Last evaluated: 2024-03-07. Review status: criteria provided, single submitter. Criteria: Invitae Variant Classification Sherloc (09022015). Collection method: clinical testing. Allele origin: germline.
Comment: This sequence change replaces glycine, which is neutral and non-polar, with arginine, which is basic and polar, at codon 9 of the RAI1 protein (p.Gly9Arg). This variant is not present in population databases (gnomAD no frequency). This variant has not been reported in the literature in individuals affected with RAI1-related conditions. Advanced modeling of protein sequence and biophysical properties (such as structural, functional, and spatial information, amino acid conservation, physicochemical variation, residue mobility, and thermodynamic stability) performed at Invitae indicates that this missense variant is expected to disrupt RAI1 protein function with a positive predictive value of 80%. In summary, the available evidence is currently insufficient to determine the role of this variant in disease. Therefore, it has been classified as a Variant of Uncertain Significance.

NM_030665.4(RAI1):c.25G>C (p.Gly9Arg)

Gene: RAI1 (retinoic acid induced 1; plus strand). Cytogenetic location: 17p11.2.
Variant type: single nucleotide variant.
Coding change: c.25G>C on transcript NM_030665.4 (MANE Select); coding-DNA position 25, G replaced by C.
Protein change: p.Gly9Arg; replaces glycine 9 with arginine.
Molecular consequence: missense variant.
Genome position (GRCh38, 1-based): chr17:17,792,973, G>C. VCF-style: chr17-17792973-G-C. GRCh37 (hg19) VCF-style: chr17-17696287-G-C.
Other names: short protein forms G9R.
Identifiers: ClinVar variation 3705988 (VCV003705988.2).